The following is an entry in ClinVar:

NM_015909.4(NBAS):c.3258G>A (p.Lys1086=)

Gene: NBAS (NBAS subunit of NRZ tethering complex; minus strand). Cytogenetic location: 2p24.3.
Variant type: single nucleotide variant.
Coding change: c.3258G>A on transcript NM_015909.4 (MANE Select); coding-DNA position 3258, G replaced by A.
Protein change: p.Lys1086=; no amino-acid change (lysine 1086 retained).
Molecular consequence: synonymous variant. On other transcripts: non-coding transcript variant (1).
Genome position (GRCh38, 1-based): chr2:15,383,317, C>T on the plus strand (G>A on the coding strand, the complement: NBAS is on the minus strand). VCF-style: chr2-15383317-C-T. GRCh37 (hg19) VCF-style: chr2-15523441-C-T.
Identifiers: ClinVar variation 2117888 (VCV002117888.6), dbSNP rs1193685435, ClinGen allele CA424871581.
Genomic context (GRCh38, chr2:15,383,317, plus strand): 5'-CTGCATAGTTAACATGTCTTGCAGCAACGTTCTCCAATGAGACTCACTGACAGGAGGCTG[C>T]CTGGAAAAACACATAAAAAAGACAAGGAAGAGGGAAAGAAAACAATTAAAATCTCTTTCT-3'
Protein context (NP_056993.2, residues 1076-1096): MVRLTRHTGR[Lys1086=]QPPVSESHWR

ClinVar aggregate classification (germline): Uncertain significance. Review status: criteria provided, multiple submitters, no conflicts (2 of 4 stars). 2 submissions from 2 submitters: Uncertain significance (2). Last evaluated 2026-01-14.

Allele frequency attached by ClinVar (database versions not stated): gnomAD exomes below 0.00001; TOPMed below 0.00001.
gnomAD v4.1: 3 of 1,611,894 alleles (0.00019%); highest among the groups gnomAD compares: South Asian, 0.0011%; no homozygotes.

Submissions (2):

Dasa
Classification: Uncertain significance. Last evaluated: 2026-01-14. Review status: criteria provided, single submitter. Criteria: DASA Assertion Criteria. Collection method: clinical testing. Allele origin: germline.
Comment: NM_015909.4(NBAS):c.3258G>A (p.Lys1086=) is a synonymous variant predicted not to alter the encoded amino acid sequence. This variant is rare in population databases. The currently available literature and clinical evidence are not sufficient to establish a definitive association between this variant and the reported condition. Therefore, this variant is classified as a variant of uncertain significance.

Labcorp Genetics (formerly Invitae), Labcorp
Classification: Uncertain significance. Last evaluated: 2022-06-03. Review status: criteria provided, single submitter. Criteria: Invitae Variant Classification Sherloc (09022015). Collection method: clinical testing. Allele origin: germline.
Comment: In summary, the available evidence is currently insufficient to determine the role of this variant in disease. Therefore, it has been classified as a Variant of Uncertain Significance. Algorithms developed to predict the effect of sequence changes on RNA splicing suggest that this variant may create or strengthen a splice site. This variant has not been reported in the literature in individuals affected with NBAS-related conditions. This variant is present in population databases (no rsID available, gnomAD 0.0009%). This sequence change affects codon 1086 of the NBAS mRNA. It is a 'silent' change, meaning that it does not change the encoded amino acid sequence of the NBAS protein. It affects a nucleotide within the consensus splice site.